The following is an entry in ClinVar:

ClinVar aggregate classification (germline): Uncertain significance (0 of 4 stars; one submission).

Conditions:
ITGA4-related disorder. Also called: ITGA4-related condition.

Allele frequency attached by ClinVar (database versions not stated): gnomAD exomes below 0.00001.
gnomAD v4.1: 1 of 1,612,788 alleles (0.000062%); highest among the groups gnomAD compares: African/African-American, 0.0013%; no homozygotes.

Submission:

PreventionGenetics, part of Exact Sciences
Classification: Uncertain significance for ITGA4-related condition. Last evaluated: 2024-02-21. Review status: no assertion criteria provided. Collection method: clinical testing. Allele origin: germline.
Comment: The ITGA4 c.1639A>G variant is predicted to result in the amino acid substitution p.Ser547Gly. To our knowledge, this variant has not been reported in the literature or in a large population database, indicating this variant is rare. At this time, the clinical significance of this variant is uncertain due to the absence of conclusive functional and genetic evidence.

NM_000885.6(ITGA4):c.1639A>G (p.Ser547Gly)

Gene: ITGA4 (integrin subunit alpha 4; plus strand). Cytogenetic location: 2q31.3.
Variant type: single nucleotide variant.
Coding change: c.1639A>G on transcript NM_000885.6 (MANE Select); coding-DNA position 1639, A replaced by G.
Protein change: p.Ser547Gly; replaces serine 547 with glycine.
Molecular consequence: missense variant.
Genome position (GRCh38, 1-based): chr2:181,498,721, A>G. VCF-style: chr2-181498721-A-G. GRCh37 (hg19) VCF-style: chr2-182363448-A-G.
Other names: short protein forms S547G.
Identifiers: ClinVar variation 3035985 (VCV003035985.2), dbSNP rs2468544989, ClinGen allele CA349725888.